The following is an entry in ClinVar:

ClinVar aggregate classification (germline): Benign/Likely benign. Review status: criteria provided, multiple submitters, no conflicts (2 of 4 stars). 4 submissions from 4 submitters: Benign (2); Likely benign (2). Last evaluated 2025-10-02.

Allele frequency attached by ClinVar (database versions not stated): 1000 Genomes Project 30x 0.00234; 1000 Genomes Project 0.00260; ESP Exome Variant Server 0.00277; gnomAD 0.00286 and 0.00287; TOPMed 0.00304.
gnomAD v4.1: 5,739 of 1,614,116 alleles (0.36%); highest among the groups gnomAD compares: Non-Finnish European, 0.42%; 19 homozygotes.

Submissions (4):

Labcorp Genetics (formerly Invitae), Labcorp
Classification: Benign. Last evaluated: 2025-10-02. Review status: criteria provided, single submitter. Criteria: Invitae Variant Classification Sherloc (09022015). Collection method: clinical testing. Allele origin: germline.

Mayo Clinic Laboratories, Mayo Clinic
Classification: Benign. Last evaluated: 2025-07-31. Review status: criteria provided, single submitter. Criteria: ACMG Guidelines, 2015. Collection method: clinical testing. Allele origin: germline. Observed: 3 variant alleles.
Comment: BS1, BP4, BP7

Blueprint Genetics
Classification: Likely benign. Last evaluated: 2024-11-20. Review status: criteria provided, single submitter. Criteria: ACMG Guidelines, 2015. Collection method: clinical testing. Allele origin: germline.

CeGaT Center for Human Genetics Tuebingen
Classification: Likely benign. Last evaluated: 2024-06-01. Review status: criteria provided, single submitter. Criteria: CeGaT Center For Human Genetics Tuebingen Variant Classification Criteria Version 2. Collection method: clinical testing. Allele origin: germline. Affected: yes. Observed: 3 variant alleles.
Comment: RNF213: BP4, BP7, BS2

NM_001256071.3(RNF213):c.11847C>T (p.Thr3949=)

Genes: RNF213-AS1 (RNF213 antisense RNA 1; minus strand), RNF213 (ring finger protein 213; plus strand). Cytogenetic location: 17q25.3.
Variant type: single nucleotide variant.
Coding change: c.11847C>T on transcript NM_001256071.3 (MANE Select); coding-DNA position 11847, C replaced by T.
Protein change: p.Thr3949=; no amino-acid change (threonine 3949 retained).
Molecular consequence: synonymous variant.
Genome position (GRCh38, 1-based): chr17:80,364,529, C>T. VCF-style: chr17-80364529-C-T. GRCh37 (hg19) VCF-style: chr17-78338329-C-T.
Other names: p.Thr3949=.
Identifiers: ClinVar variation 789233 (VCV000789233.33), dbSNP rs117705614, ClinGen allele CA8821976.